The following is an entry in ClinVar:

ClinVar aggregate classification (germline): Uncertain significance (1 of 4 stars; one submission).

gnomAD v4.1: 1 of 1,210,522 alleles (0.000083%); highest among the groups gnomAD compares: Admixed American, 0.0022%; no homozygotes.

Submission:

GeneDx
Classification: Uncertain significance. Last evaluated: 2023-12-20. Review status: criteria provided, single submitter. Criteria: GeneDx Variant Classification Process June 2021. Collection method: clinical testing. Allele origin: germline. Affected: yes.
Comment: Not observed at significant frequency in large population cohorts (gnomAD); In silico analysis supports that this missense variant has a deleterious effect on protein structure/function; Has not been previously published as pathogenic or benign to our knowledge

NM_153252.5(BRWD3):c.2540A>G (p.Glu847Gly)

Gene: BRWD3 (bromodomain and WD repeat domain containing 3; minus strand). Cytogenetic location: Xq21.1.
Variant type: single nucleotide variant.
Coding change: c.2540A>G on transcript NM_153252.5 (MANE Select); coding-DNA position 2540, A replaced by G.
Protein change: p.Glu847Gly; replaces glutamic acid 847 with glycine.
Molecular consequence: missense variant.
Genome position (GRCh38, 1-based): chrX:80,707,439, T>C on the plus strand (A>G on the coding strand, the complement: BRWD3 is on the minus strand). VCF-style: chrX-80707439-T-C. GRCh37 (hg19) VCF-style: chrX-79962938-T-C.
Other names: short protein forms E847G.
Identifiers: ClinVar variation 3370160 (VCV003370160.1).